The following is an entry in ClinVar:

NM_014979.4(SV2C):c.361C>T (p.Arg121Trp)

Gene: SV2C (synaptic vesicle glycoprotein 2C; plus strand). Cytogenetic location: 5q13.3.
Variant type: single nucleotide variant.
Coding change: c.361C>T on transcript NM_014979.4 (MANE Select); coding-DNA position 361, C replaced by T.
Protein change: p.Arg121Trp; replaces arginine 121 with tryptophan.
Molecular consequence: missense variant.
Genome position (GRCh38, 1-based): chr5:76,132,111, C>T. VCF-style: chr5-76132111-C-T. GRCh37 (hg19) VCF-style: chr5-75427936-C-T.
Other names: c.361C>T, p.Arg121Trp (NM_001297716.2); short protein forms R121W.
Identifiers: ClinVar variation 3048954 (VCV003048954.2), dbSNP rs562854902, ClinGen allele CA3310809.

ClinVar aggregate classification (germline): Likely benign (0 of 4 stars; one submission).

Conditions:
SV2C-related disorder. Also called: SV2C-related condition.

Allele frequency attached by ClinVar (database versions not stated): gnomAD 0.00009; TOPMed 0.00009; gnomAD exomes 0.00010; ExAC 0.00020; 1000 Genomes Project 30x 0.00031; 1000 Genomes Project 0.00040.
gnomAD v4.1: 166 of 1,613,780 alleles (0.01%); highest among the groups gnomAD compares: East Asian, 0.098%; no homozygotes.

Submission:

PreventionGenetics, part of Exact Sciences
Classification: Likely benign for SV2C-related condition. Last evaluated: 2022-02-07. Review status: no assertion criteria provided. Collection method: clinical testing. Allele origin: germline.
Comment: This variant is classified as likely benign based on ACMG/AMP sequence variant interpretation guidelines (Richards et al. 2015 PMID: 25741868, with internal and published modifications).